The following is an entry in ClinVar:

ClinVar aggregate classification (germline): Conflicting classifications of pathogenicity. Review status: criteria provided, conflicting classifications (1 of 4 stars). 4 submissions from 4 submitters: Uncertain significance (3); Likely benign (1). Last evaluated 2025-10-27.

Conditions:
Loeys-Dietz syndrome 2 (LDS2). Also called: AORTIC ANEURYSM, FAMILIAL THORACIC 3; MARFAN SYNDROME, TYPE II; Marfan syndrome, type 2 (formerly); Marfan Syndrome type 2; Marfan like connective tissue disorder; MFS 2. Identifiers: Orphanet 284973, Orphanet 558, MedGen C2674574, MONDO:0012427, OMIM 610168.
Long QT syndrome (LQTS). Identifiers: MedGen C0023976, MeSH D008133, MONDO:0002442. Disease mechanism: loss of function. Inheritance: Various modes of inheritance.

Allele frequency attached by ClinVar (database versions not stated): gnomAD 0.00001 and 0.00002; TOPMed 0.00002; gnomAD exomes 0.00004; ExAC 0.00006; ESP Exome Variant Server 0.00008; 1000 Genomes Project 30x 0.00016; 1000 Genomes Project 0.00020.
gnomAD v4.1: 41 of 1,614,176 alleles (0.0025%); highest among the groups gnomAD compares: Non-Finnish European, 0.0031%; no homozygotes.

Submissions (4):

Labcorp Genetics (formerly Invitae), Labcorp
Classification: Uncertain significance for Loeys-Dietz syndrome 2. Last evaluated: 2025-10-27. Review status: criteria provided, single submitter. Criteria: Invitae Variant Classification Sherloc (09022015). Collection method: clinical testing. Allele origin: germline.
Comment: This sequence change replaces serine, which is neutral and polar, with alanine, which is neutral and non-polar, at codon 415 of the TMPO protein (p.Ser415Ala). This variant is present in population databases (rs200367787, gnomAD 0.007%). This variant has not been reported in the literature in individuals affected with TMPO-related conditions. ClinVar contains an entry for this variant (Variation ID: 968613). Invitae Evidence Modeling of protein sequence and biophysical properties (such as structural, functional, and spatial information, amino acid conservation, physicochemical variation, residue mobility, and thermodynamic stability) indicates that this missense variant is not expected to disrupt TMPO protein function with a negative predictive value of 80%. In summary, the available evidence is currently insufficient to determine the role of this variant in disease. Therefore, it has been classified as a Variant of Uncertain Significance.

Ambry Genetics
Classification: Uncertain significance. Last evaluated: 2025-08-03. Review status: criteria provided, single submitter. Criteria: Ambry Variant Classification Scheme 2023. Collection method: clinical testing. Allele origin: germline.
Comment: The p.S415A variant (also known as c.1243T>G), located in coding exon 4 of the TMPO gene, results from a T to G substitution at nucleotide position 1243. The serine at codon 415 is replaced by alanine, an amino acid with similar properties. This amino acid position is conserved. In addition, this alteration is predicted to be tolerated by in silico analysis. Since supporting evidence is limited at this time, the clinical significance of this alteration remains unclear.

Dept of Medical Biology, Uskudar University
Classification: Uncertain significance for Long QT syndrome. Last evaluated: 2024-01-08. Review status: criteria provided, single submitter. Criteria: Dept of Medical Biology Variant Classification. Collection method: research. Allele origin: paternal. Affected: yes. Observed: 1 variant allele.
Comment: Criteria: PM2

CeGaT Center for Human Genetics Tuebingen
Classification: Likely benign. Last evaluated: 2023-03-01. Review status: criteria provided, single submitter. Criteria: CeGaT Center For Human Genetics Tuebingen Variant Classification Criteria Version 2. Collection method: clinical testing. Allele origin: germline. Affected: yes. Observed: 1 variant allele.
Comment: TMPO: BP4

NM_001032283.3(TMPO):c.565+1662T>G

Gene: TMPO (thymopoietin; plus strand). Cytogenetic location: 12q23.1.
Variant type: single nucleotide variant.
Coding change: c.565+1662T>G on transcript NM_001032283.3 (MANE Select); 1662 bases into the intron after coding-DNA position 565, T replaced by G.
Molecular consequence: intron variant. On other transcripts: missense variant (1).
Genome position (GRCh38, 1-based): chr12:98,533,500, T>G. VCF-style: chr12-98533500-T-G. GRCh37 (hg19) VCF-style: chr12-98927278-T-G.
Other names: c.1243T>G, p.Ser415Ala (NM_003276.2); c.565+1662T>G (NM_001307975.2, NM_001032284.3); short protein forms S415A.
Identifiers: ClinVar variation 968613 (VCV000968613.37), dbSNP rs200367787, ClinGen allele CA6732388.
Genomic context (GRCh38, chr12:98,533,500, plus strand): 5'-GGAACTTCTAACTCTATGCCCCCACTGGATGTAGAAAACATACAGAAGAGAATTGATCAG[T>G]CTAAGTTTCAAGAAACTGAATTCCTGTCTCCTCCAAGAAAAGTCCCTAGACTGAGTGAGA-3'